The following is an entry in ClinVar:

ClinVar aggregate classification (germline): Uncertain significance. Review status: criteria provided, multiple submitters, no conflicts (2 of 4 stars). 2 submissions from 2 submitters: Uncertain significance (2). Last evaluated 2023-03-14.

Conditions:
Inborn genetic diseases. Identifiers: MedGen C0950123, MeSH D030342.

Submissions (2):

Ambry Genetics
Classification: Uncertain significance for Inborn genetic diseases. Last evaluated: 2023-03-14. Review status: criteria provided, single submitter. Criteria: Ambry Variant Classification Scheme 2023. Collection method: clinical testing. Allele origin: germline.

CeGaT Center for Human Genetics Tuebingen
Classification: Uncertain significance. Last evaluated: 2022-10-01. Review status: criteria provided, single submitter. Criteria: CeGaT Center For Human Genetics Tuebingen Variant Classification Criteria Version 2. Collection method: clinical testing. Allele origin: germline. Affected: yes. Observed: 1 variant allele.
Comment: MN1: PM2, BP1

NM_002430.3(MN1):c.2048C>T (p.Pro683Leu)

Gene: MN1 (MN1 proto-oncogene, transcriptional regulator; minus strand). Cytogenetic location: 22q12.1.
Variant type: single nucleotide variant.
Coding change: c.2048C>T on transcript NM_002430.3 (MANE Select); coding-DNA position 2048, C replaced by T.
Protein change: p.Pro683Leu; replaces proline 683 with leucine.
Molecular consequence: missense variant.
Genome position (GRCh38, 1-based): chr22:27,798,496, G>A on the plus strand (C>T on the coding strand, the complement: MN1 is on the minus strand). VCF-style: chr22-27798496-G-A. GRCh37 (hg19) VCF-style: chr22-28194484-G-A.
Other names: short protein forms P683L.
Identifiers: ClinVar variation 2467527 (VCV002467527.26), dbSNP rs746022602, ClinGen allele CA10166296.